The following is an entry in ClinVar:

ClinVar aggregate classification (germline): Uncertain significance. Review status: criteria provided, multiple submitters, no conflicts (2 of 4 stars). 3 submissions from 3 submitters: Uncertain significance (3). Last evaluated 2025-12-27.

Conditions:
Juvenile myelomonocytic leukemia (JMML). Also called: LEUKEMIA, JUVENILE MYELOMONOCYTIC, SOMATIC. Identifiers: Orphanet 86834, MedGen C0349639, MONDO:0011908, OMIM 607785, HP:0012209.
Neurofibromatosis, type 1 (NF1). Also called: NEUROFIBROMATOSIS, TYPE I, SOMATIC; Peripheral type neurofibromatosis; VON RECKLINGHAUSEN DISEASE; Neurofibromatosis, type I. Identifiers: Orphanet 636, MedGen C0027831, MONDO:0018975, OMIM 162200. Disease mechanism: loss of function.
Cardiovascular phenotype. Identifiers: MedGen CN230736.
Hereditary cancer-predisposing syndrome. Also called: Tumor predisposition; Neoplastic Syndromes, Hereditary; Hereditary Cancer Syndrome; Hereditary neoplastic syndrome. Identifiers: Orphanet 140162, MedGen C0027672, MeSH D009386, MONDO:0015356.

Allele frequency attached by ClinVar (database versions not stated): gnomAD exomes below 0.00001.
gnomAD v4.1: 1 of 1,613,862 alleles (0.000062%); highest among the groups gnomAD compares: East Asian, 0.0022%; no homozygotes.

Submissions (3):

Labcorp Genetics (formerly Invitae), Labcorp
Classification: Uncertain significance for Neurofibromatosis, type 1. Last evaluated: 2025-12-27. Review status: criteria provided, single submitter. Criteria: Invitae Variant Classification Sherloc (09022015). Collection method: clinical testing. Allele origin: germline.
Comment: This sequence change replaces tyrosine, which is neutral and polar, with cysteine, which is neutral and slightly polar, at codon 735 of the NF1 protein (p.Tyr735Cys). The frequency data for this variant in the population databases is considered unreliable, as metrics indicate poor data quality at this position in the gnomAD database. This variant has not been reported in the literature in individuals affected with NF1-related conditions. ClinVar contains an entry for this variant (Variation ID: 2677185). Invitae Evidence Modeling of protein sequence and biophysical properties (such as structural, functional, and spatial information, amino acid conservation, physicochemical variation, residue mobility, and thermodynamic stability) indicates that this missense variant is expected to disrupt NF1 protein function with a positive predictive value of 80%. In summary, the available evidence is currently insufficient to determine the role of this variant in disease. Therefore, it has been classified as a Variant of Uncertain Significance.

Ambry Genetics
Classification: Uncertain significance for Cardiovascular phenotype; Hereditary cancer-predisposing syndrome. Last evaluated: 2025-06-17. Review status: criteria provided, single submitter. Criteria: Ambry Variant Classification Scheme 2023. Collection method: clinical testing. Allele origin: germline.
Comment: The p.Y735C variant (also known as c.2204A>G), located in coding exon 18 of the NF1 gene, results from an A to G substitution at nucleotide position 2204. The tyrosine at codon 735 is replaced by cysteine, an amino acid with highly dissimilar properties. This amino acid position is highly conserved in available vertebrate species. In addition, the in silico prediction for this alteration is inconclusive. Based on the available evidence, the clinical significance of this variant remains unclear.

Baylor Genetics
Classification: Uncertain significance for Juvenile myelomonocytic leukemia. Last evaluated: 2023-09-20. Review status: criteria provided, single submitter. Criteria: ACMG Guidelines, 2015. Collection method: clinical testing. Allele origin: unknown.

NM_001042492.3(NF1):c.2204A>G (p.Tyr735Cys)

Gene: NF1 (neurofibromin 1; plus strand). Cytogenetic location: 17q11.2.
Variant type: single nucleotide variant.
Coding change: c.2204A>G on transcript NM_001042492.3 (MANE Select); coding-DNA position 2204, A replaced by G.
Protein change: p.Tyr735Cys; replaces tyrosine 735 with cysteine.
Molecular consequence: missense variant.
Genome position (GRCh38, 1-based): chr17:31,226,637, A>G. VCF-style: chr17-31226637-A-G. GRCh37 (hg19) VCF-style: chr17-29553655-A-G.
Other names: c.2204A>G, p.Tyr735Cys (NM_000267.4); short protein forms Y735C.
Identifiers: ClinVar variation 2677185 (VCV002677185.3), dbSNP rs1447598673, ClinGen allele CA398982486.